The following is an entry in ClinVar:

NM_138801.3(GALM):c.983G>A (p.Gly328Asp)

Gene: GALM (galactose mutarotase; plus strand). Cytogenetic location: 2p22.1.
Variant type: single nucleotide variant.
Coding change: c.983G>A on transcript NM_138801.3 (MANE Select); coding-DNA position 983, G replaced by A.
Protein change: p.Gly328Asp; replaces glycine 328 with aspartic acid.
Molecular consequence: missense variant.
Genome position (GRCh38, 1-based): chr2:38,733,519, G>A. VCF-style: chr2-38733519-G-A. GRCh37 (hg19) VCF-style: chr2-38960661-G-A.
Other names: c.983G>A (NM_138801.2); short protein forms G328D.
Identifiers: ClinVar variation 1634085 (VCV001634085.11), dbSNP rs575045929, ClinGen allele CA1621722.
Genomic context (GRCh38, chr2:38,733,519, plus strand): 5'-GCATCACCTGTGTTGTTTCCCCTTCACAGCCCCGCTTCCCTCCTGTGCTGCTGAGGCCTG[G>A]TGAGGAGTATGACCACACCACCTGGTTCAAGTTTTCTGTGGCTTAAGGAAGTGTGAAGAT-3'
Protein context (NP_620156.1, residues 318-338): PRFPPVLLRP[Gly328Asp]EEYDHTTWFK

ClinVar aggregate classification (germline): Benign. Review status: criteria provided, multiple submitters, no conflicts (2 of 4 stars). 3 submissions from 3 submitters: Benign (2). 1 of the submissions does not count toward it. Last evaluated 2026-01-01.

Conditions:
GALM-related disorder. Also called: GALM-related condition.

Allele frequency attached by ClinVar (database versions not stated): gnomAD 0.00004 and 0.00025; TOPMed 0.00007; gnomAD exomes 0.00046 and 0.00093; ExAC 0.00095; 1000 Genomes Project 30x 0.00187; 1000 Genomes Project 0.00200.
gnomAD v4.1: 713 of 1,614,056 alleles (0.044%); highest among the groups gnomAD compares: South Asian, 0.61%; 6 homozygotes.

Submissions (3):

Labcorp Genetics (formerly Invitae), Labcorp
Classification: Benign. Last evaluated: 2026-01-01. Review status: criteria provided, single submitter. Criteria: Invitae Variant Classification Sherloc (09022015). Collection method: clinical testing. Allele origin: germline.

Breakthrough Genomics
Classification: Benign. Review status: criteria provided, single submitter. Criteria: ACMG Guidelines, 2015. Collection method: not provided. Allele origin: germline. Inheritance: Autosomal recessive inheritance. Affected: yes.

PreventionGenetics, part of Exact Sciences
Classification: Benign for GALM-related condition. Last evaluated: 2019-07-01. Review status: no assertion criteria provided. Collection method: clinical testing. Allele origin: germline. Not counted in ClinVar's aggregate classification.
Comment: This variant is classified as benign based on ACMG/AMP sequence variant interpretation guidelines (Richards et al. 2015 PMID: 25741868, with internal and published modifications).